The following is an entry in ClinVar:

NM_001165963.4(SCN1A):c.3429G>C (p.Glu1143Asp)

Genes: SCN1A (sodium voltage-gated channel alpha subunit 1; minus strand), LOC102724058 (uncharacterized LOC102724058; plus strand). Cytogenetic location: 2q24.3.
Variant type: single nucleotide variant.
Coding change: c.3429G>C on transcript NM_001165963.4 (MANE Select); coding-DNA position 3429, G replaced by C.
Protein change: p.Glu1143Asp; replaces glutamic acid 1143 with aspartic acid.
Molecular consequence: missense variant. On other transcripts: non-coding transcript variant (1).
Genome position (GRCh38, 1-based): chr2:166,036,048, C>G on the plus strand (G>C on the coding strand, the complement: SCN1A is on the minus strand). VCF-style: chr2-166036048-C-G. GRCh37 (hg19) VCF-style: chr2-166892558-C-G.
Other names: c.3393G>C, p.Glu1131Asp (NM_001353955.2, NM_001353954.2); c.3345G>C, p.Glu1115Asp (NM_001165964.3, NM_001353957.2, NM_001353958.2); c.3429G>C, p.Glu1143Asp (NM_001202435.3, NM_001353948.2); c.3396G>C, p.Glu1132Asp (NM_001353949.2, NM_001353950.2, NM_001353951.2 and 2 more transcripts); c.3342G>C, p.Glu1114Asp (NM_001353960.2); c.987G>C, p.Glu329Asp (NM_001353961.2); short protein forms E1114D, E1115D, E1131D, E1132D, E1143D, E329D.
Identifiers: ClinVar variation 1196788 (VCV001196788.2), dbSNP rs796052994, ClinGen allele CA349058958.

ClinVar aggregate classification (germline): Likely pathogenic (1 of 4 stars; one submission).

Submission:

GeneDx
Classification: Likely pathogenic. Last evaluated: 2020-03-25. Review status: criteria provided, single submitter. Criteria: GeneDx Variant Classification Process June 2021. Collection method: clinical testing. Allele origin: germline. Affected: yes.
Comment: Not observed in large population cohorts (Lek et al., 2016); The majority of missense variants in this gene are considered pathogenic (Stenson et al., 2014); In silico analysis, which includes protein predictors and evolutionary conservation, supports that this variant does not alter protein structure/function; Has not been previously published as pathogenic or benign to our knowledge; This substitution is predicted to be in the cytoplasmic loop between the second and third homologous domains